The following is an entry in ClinVar:

NM_033087.4(ALG2):c.1218G>C (p.Gln406His)

Gene: ALG2 (ALG2 alpha-1,3/1,6-mannosyltransferase; minus strand). Cytogenetic location: 9q22.33.
Variant type: single nucleotide variant.
Coding change: c.1218G>C on transcript NM_033087.4 (MANE Select); coding-DNA position 1218, G replaced by C.
Protein change: p.Gln406His; replaces glutamine 406 with histidine.
Molecular consequence: missense variant. On other transcripts: non-coding transcript variant (1).
Genome position (GRCh38, 1-based): chr9:99,217,967, C>G on the plus strand (G>C on the coding strand, the complement: ALG2 is on the minus strand). VCF-style: chr9-99217967-C-G. GRCh37 (hg19) VCF-style: chr9-101980249-C-G.
Other names: c.1218G>C (NM_033087.3); short protein forms Q406H.
Identifiers: ClinVar variation 1039238 (VCV001039238.6), dbSNP rs763754023, ClinGen allele CA5156186.

ClinVar aggregate classification (germline): Uncertain significance. Review status: criteria provided, multiple submitters, no conflicts (2 of 4 stars). 2 submissions from 2 submitters: Uncertain significance (2). Last evaluated 2022-09-13.

Conditions:
Inborn genetic diseases. Identifiers: MedGen C0950123, MeSH D030342.
Congenital myasthenic syndrome 14. Also called: Myasthenic syndrome, congenital, 14, with tubular aggregates. Identifiers: Orphanet 353327, Orphanet 590, MedGen C4015597, MONDO:0014543, OMIM 616228.
Congenital disorder of glycosylation, type Ii. Also called: ALG2-CDG; CDG Ii; ALG2-congenital disorder of glycosylation. Identifiers: Orphanet 79326, MedGen C1842836, MONDO:0011933, OMIM 607906.

Allele frequency attached by ClinVar (database versions not stated): gnomAD exomes below 0.00001; gnomAD 0.00002; ExAC 0.00001; TOPMed 0.00005.

Submissions (2):

Labcorp Genetics (formerly Invitae), Labcorp
Classification: Uncertain significance for Congenital disorder of glycosylation, type Ii; Congenital myasthenic syndrome 14. Last evaluated: 2022-09-13. Review status: criteria provided, single submitter. Criteria: Invitae Variant Classification Sherloc (09022015). Collection method: clinical testing. Allele origin: germline.
Comment: This sequence change replaces glutamine, which is neutral and polar, with histidine, which is basic and polar, at codon 406 of the ALG2 protein (p.Gln406His). This variant is present in population databases (rs763754023, gnomAD 0.007%). This variant has not been reported in the literature in individuals affected with ALG2-related conditions. ClinVar contains an entry for this variant (Variation ID: 1039238). Algorithms developed to predict the effect of missense changes on protein structure and function are either unavailable or do not agree on the potential impact of this missense change (SIFT: "Deleterious"; PolyPhen-2: "Possibly Damaging"; Align-GVGD: "Class C0"). In summary, the available evidence is currently insufficient to determine the role of this variant in disease. Therefore, it has been classified as a Variant of Uncertain Significance.

Ambry Genetics
Classification: Uncertain significance for Inborn genetic diseases. Last evaluated: 2021-10-12. Review status: criteria provided, single submitter. Criteria: Ambry Variant Classification Scheme 2023. Collection method: clinical testing. Allele origin: germline.